The following is an entry in ClinVar:

NM_206996.4(SPAG17):c.1905G>A (p.Pro635=)

Gene: SPAG17 (sperm associated antigen 17; minus strand). Cytogenetic location: 1p12.
Variant type: single nucleotide variant.
Coding change: c.1905G>A on transcript NM_206996.4 (MANE Select); coding-DNA position 1905, G replaced by A.
Protein change: p.Pro635=; no amino-acid change (proline 635 retained).
Molecular consequence: synonymous variant.
Genome position (GRCh38, 1-based): chr1:118,081,500, C>T on the plus strand (G>A on the coding strand, the complement: SPAG17 is on the minus strand). VCF-style: chr1-118081500-C-T. GRCh37 (hg19) VCF-style: chr1-118624123-C-T.
Identifiers: ClinVar variation 3060485 (VCV003060485.2), dbSNP rs2298176, ClinGen allele CA1034152.

ClinVar aggregate classification (germline): Benign (0 of 4 stars; one submission).

Conditions:
SPAG17-related disorder. Also called: SPAG17-related condition.

Allele frequency attached by ClinVar (database versions not stated): ESP Exome Variant Server 0.05744; gnomAD exomes 0.06593; TOPMed 0.06735; gnomAD 0.06755; ExAC 0.08262; 1000 Genomes Project 30x 0.12180; 1000 Genomes Project 0.12640.
gnomAD v4.1: 107,455 of 1,613,654 alleles (6.7%); highest among the groups gnomAD compares: East Asian, 24%; 4,994 homozygotes.

Submission:

PreventionGenetics, part of Exact Sciences
Classification: Benign for SPAG17-related condition. Last evaluated: 2019-03-01. Review status: no assertion criteria provided. Collection method: clinical testing. Allele origin: germline.
Comment: This variant is classified as benign based on ACMG/AMP sequence variant interpretation guidelines (Richards et al. 2015 PMID: 25741868, with internal and published modifications).